The following is an entry in ClinVar:

NM_014009.4(FOXP3):c.1151C>T (p.Ala384Val)

Gene: FOXP3 (forkhead box P3; minus strand). Cytogenetic location: Xp11.23.
Variant type: single nucleotide variant.
Coding change: c.1151C>T on transcript NM_014009.4 (MANE Select); coding-DNA position 1151, C replaced by T.
Protein change: p.Ala384Val; replaces alanine 384 with valine.
Molecular consequence: missense variant.
Genome position (GRCh38, 1-based): chrX:49,251,479, G>A on the plus strand (C>T on the coding strand, the complement: FOXP3 is on the minus strand). VCF-style: chrX-49251479-G-A. GRCh37 (hg19) VCF-style: chrX-49107940-G-A.
Other names: c.1046C>T, p.Ala349Val (NM_001114377.2); short protein forms A349V, A384V.
Identifiers: ClinVar variation 1503298 (VCV001503298.8), dbSNP rs2147944159, ClinGen allele CA412947720.

ClinVar aggregate classification (germline): Likely pathogenic (1 of 4 stars; one submission).

Conditions:
Insulin-dependent diabetes mellitus secretory diarrhea syndrome (IPEX). Also called: Immunodysregulation, polyendocrinopathy, and enteropathy, X-linked; IMMUNODEFICIENCY, POLYENDOCRINOPATHY, AND ENTEROPATHY, X-LINKED; Immune dysregulation-polyendocrinopathy-enteropathy-X-linked syndrome; X-Linked Autoimmunity-Allergic Dysregulation Syndrome; Immunodeficiency, Polyendocrinopathy, and Enteropathy X-Linked Syndrome; X-Linked Syndrome of Polyendocrinopathy, Immune Dysfunction, and Diarrhea. Identifiers: Orphanet 37042, MedGen C0342288, MONDO:0010580, OMIM 304790. Disease mechanism: loss of function.

Submission:

Labcorp Genetics (formerly Invitae), Labcorp
Classification: Likely pathogenic for Insulin-dependent diabetes mellitus secretory diarrhea syndrome. Last evaluated: 2021-07-21. Review status: criteria provided, single submitter. Criteria: Invitae Variant Classification Sherloc (09022015). Collection method: clinical testing. Allele origin: germline.
Comment: This sequence change replaces alanine with valine at codon 384 of the FOXP3 protein (p.Ala384Val). The alanine residue is highly conserved and there is a small physicochemical difference between alanine and valine. This variant is not present in population databases (ExAC no frequency). This variant has not been reported in the literature in individuals affected with FOXP3-related conditions. Advanced modeling of protein sequence and biophysical properties (such as structural, functional, and spatial information, amino acid conservation, physicochemical variation, residue mobility, and thermodynamic stability) performed at Invitae indicates that this missense variant is expected to disrupt FOXP3 protein function. This variant disrupts the p.Ala384 amino acid residue in FOXP3. Other variant(s) that disrupt this residue have been determined to be pathogenic (PMID: 11137993, 15096376, 18951619, 28778586, 28783662, 29896738). This suggests that this residue is clinically significant, and that variants that disrupt this residue are likely to be disease-causing. In summary, the currently available evidence indicates that the variant is pathogenic, but additional data are needed to prove that conclusively. Therefore, this variant has been classified as Likely Pathogenic.

Literature cited by the submitters: PubMed 11137993; PubMed 15096376; PubMed 18951619; PubMed 28778586; PubMed 28783662; PubMed 29896738.